The following is an entry in ClinVar:

NM_016035.5(COQ4):c.205A>G (p.Met69Val)

Gene: COQ4 (coenzyme Q4; plus strand). Cytogenetic location: 9q34.11.
Variant type: single nucleotide variant.
Coding change: c.205A>G on transcript NM_016035.5 (MANE Select); coding-DNA position 205, A replaced by G.
Protein change: p.Met69Val; replaces methionine 69 with valine.
Molecular consequence: missense variant. On other transcripts: intron variant (1).
Genome position (GRCh38, 1-based): chr9:128,325,145, A>G. VCF-style: chr9-128325145-A-G. GRCh37 (hg19) VCF-style: chr9-131087424-A-G.
Other names: c.205A>G (NM_016035.3); c.203-634A>G (NM_001305942.2); short protein forms M69V.
Identifiers: ClinVar variation 1345226 (VCV001345226.10), dbSNP rs146533802, ClinGen allele CA5260463.
Genomic context (GRCh38, chr9:128,325,145, plus strand): 5'-GGTCAGCTAACTTACCTAAGATGACATCCCCCATTTGTGCCCGTTTCTGTCCTTTCAGAC[A>G]TGGTCGCAGTTCTAGGGGAGACCACAGGACACCGCACCCTGAAGGTCCTCAGGGACCAGA-3'
Protein context (NP_057119.3, residues 59-79): MALYNPYRHD[Met69Val]VAVLGETTGH

ClinVar aggregate classification (germline): Conflicting classifications of pathogenicity. Review status: criteria provided, conflicting classifications (1 of 4 stars). 3 submissions from 3 submitters: Likely pathogenic (2); Uncertain significance (1). Last evaluated 2026-04-28.

Conditions:
Neonatal encephalomyopathy-cardiomyopathy-respiratory distress syndrome. Also called: Coenzyme Q10 deficiency, primary, 7. Identifiers: Orphanet 457185, MedGen C5568562, MONDO:0014562, OMIM 616276.

Allele frequency attached by ClinVar (database versions not stated): TOPMed below 0.00001; ExAC 0.00001; gnomAD 0.00001; gnomAD exomes 0.00001; ESP Exome Variant Server 0.00008.
gnomAD v4.1: 9 of 1,612,454 alleles (0.00056%); highest among the groups gnomAD compares: East Asian, 0.0022%; no homozygotes.

Submissions (3):

Wales Gene Park, Division Of Cancer and Genetics, Cardiff University
Classification: Likely pathogenic for Neonatal encephalomyopathy-cardiomyopathy-respiratory distress syndrome. Last evaluated: 2026-04-28. Review status: criteria provided, single submitter. Criteria: ACGS Best Practice Guidelines for Variant Classification in Rare Disease 2024. Collection method: research. Allele origin: inherited. Inheritance: Autosomal recessive inheritance. Affected: yes. Study: 100,000 Genomes Project (Wales).
Comment: Inherited COQ4 missense variant detected by trio genome sequencing. Low allele frequency in gnomAD (v4.1.1). RNA analysis of patient blood and skin fibroblasts found significantly reduced expression of COQ4. In addition, there was increased skipping of exon 3. Evidence codes: PM3_strong, PM2 and PS3_supporting.

GeneDx
Classification: Likely pathogenic. Last evaluated: 2025-07-22. Review status: criteria provided, single submitter. Criteria: GeneDx Variant Classification Process June 2021. Collection method: clinical testing. Allele origin: germline. Affected: yes.
Comment: In silico analysis supports that this missense variant has a deleterious effect on protein structure/function; Not observed at significant frequency in large population cohorts (gnomAD); Has not been previously published as pathogenic or benign to our knowledge

Labcorp Genetics (formerly Invitae), Labcorp
Classification: Uncertain significance for Neonatal encephalomyopathy-cardiomyopathy-respiratory distress syndrome. Last evaluated: 2020-12-13. Review status: criteria provided, single submitter. Criteria: Invitae Variant Classification Sherloc (09022015). Collection method: clinical testing. Allele origin: germline.
Comment: This sequence change replaces methionine with valine at codon 69 of the COQ4 protein (p.Met69Val). The methionine residue is highly conserved and there is a small physicochemical difference between methionine and valine. This variant is present in population databases (rs146533802, ExAC 0.01%). This variant has not been reported in the literature in individuals with COQ4-related conditions. Algorithms developed to predict the effect of missense changes on protein structure and function are either unavailable or do not agree on the potential impact of this missense change (SIFT: "Tolerated"; PolyPhen-2: "Possibly Damaging"; Align-GVGD: "Class C0"). In summary, the available evidence is currently insufficient to determine the role of this variant in disease. Therefore, it has been classified as a Variant of Uncertain Significance.